The following is an entry in ClinVar:

NM_153240.5(NPHP3):c.185G>A (p.Arg62His)

Genes: NPHP3-ACAD11 (NPHP3-ACAD11 readthrough (NMD candidate); minus strand), NPHP3 (nephrocystin 3; minus strand), NPHP3-AS1 (NPHP3 antisense RNA 1; plus strand), LOC129937586 (ATAC-STARR-seq lymphoblastoid silent region 14743; plus strand). Cytogenetic location: 3q22.1.
Variant type: single nucleotide variant.
Coding change: c.185G>A on transcript NM_153240.5 (MANE Select); coding-DNA position 185, G replaced by A.
Protein change: p.Arg62His; replaces arginine 62 with histidine.
Molecular consequence: missense variant. On other transcripts: non-coding transcript variant (3).
Genome position (GRCh38, 1-based): chr3:132,722,171, C>T on the plus strand (G>A on the coding strand, the complement: NPHP3 is on the minus strand). VCF-style: chr3-132722171-C-T. GRCh37 (hg19) VCF-style: chr3-132441015-C-T.
Other names: short protein forms R62H.
Identifiers: ClinVar variation 1398189 (VCV001398189.5), dbSNP rs1295666035, ClinGen allele CA354589456.
Genomic context (GRCh38, chr3:132,722,171, plus strand): 5'-GGCACCGACGAGCCAGTGGACTTGAAGCTGGCCCCCAGCAGCCCGCCCGCGCCCACCCCG[C>T]GGGGCAGCGACCCGGGCCCGGCCCCTGCTGCCGCCCCCGCGCCTCGGCGGAACGAGTTGC-3'
Protein context (NP_694972.3, residues 52-72): AAGAGPGSLP[Arg62His]GVGAGGLLGA

ClinVar aggregate classification (germline): Uncertain significance. Review status: criteria provided, multiple submitters, no conflicts (2 of 4 stars). 2 submissions from 2 submitters: Uncertain significance (2). Last evaluated 2024-06-13.

Conditions:
Nephronophthisis. Also called: Juvenile Nephronophthisis. Identifiers: Orphanet 655, MedGen C0687120, MONDO:0019005, HP:0000090.
NPHP3-related Meckel-like syndrome. Also called: GOLDSTON SYNDROME; Meckel syndrome type 7. Identifiers: Orphanet 3032, MedGen C2673885, MONDO:0009966, OMIM 267010.
Nephronophthisis 3 (NPHP3). Also called: Adolescent nephronophthisis. Identifiers: Orphanet 655, MedGen C1858392, MONDO:0011456, OMIM 604387.
Renal-hepatic-pancreatic dysplasia 1 (RHPD1). Identifiers: MedGen C3715199, MONDO:0008833, OMIM 208540.

Allele frequency attached by ClinVar (database versions not stated): gnomAD exomes 0.00001; TOPMed 0.00002; gnomAD 0.00004.

Submissions (2):

Fulgent Genetics
Classification: Uncertain significance for Renal-hepatic-pancreatic dysplasia 1; NPHP3-related Meckel-like syndrome; Nephronophthisis 3. Last evaluated: 2024-06-13. Review status: criteria provided, single submitter. Criteria: ACMG Guidelines, 2015. Collection method: clinical testing. Allele origin: germline.

Labcorp Genetics (formerly Invitae), Labcorp
Classification: Uncertain significance for Nephronophthisis. Last evaluated: 2022-08-16. Review status: criteria provided, single submitter. Criteria: Invitae Variant Classification Sherloc (09022015). Collection method: clinical testing. Allele origin: germline.
Comment: This sequence change replaces arginine, which is basic and polar, with histidine, which is basic and polar, at codon 62 of the NPHP3 protein (p.Arg62His). The frequency data for this variant in the population databases is considered unreliable, as metrics indicate poor data quality at this position in the gnomAD database. This variant has not been reported in the literature in individuals affected with NPHP3-related conditions. ClinVar contains an entry for this variant (Variation ID: 1398189). Algorithms developed to predict the effect of missense changes on protein structure and function (SIFT, PolyPhen-2, Align-GVGD) all suggest that this variant is likely to be tolerated. In summary, the available evidence is currently insufficient to determine the role of this variant in disease. Therefore, it has been classified as a Variant of Uncertain Significance.